The following is an entry in ClinVar:

ClinVar aggregate classification (germline): Benign (1 of 4 stars; one submission).

Conditions:
Glycogen storage disease, type II (IOPD). Also called: Pompe Disease; CARDIOMEGALIA GLYCOGENICA DIFFUSA; GLYCOGENOSIS, GENERALIZED, CARDIAC FORM; GSD II; POMPE DISEASE, INFANTILE-ONSET; GLYCOGEN STORAGE DISEASE II, INFANTILE-ONSET. Identifiers: Orphanet 365, MedGen C0017921, MONDO:0009290, OMIM 232300.

gnomAD v4.1: 109,394 of 152,162 alleles (72%); highest among the groups gnomAD compares: Middle Eastern, 86%; 39,617 homozygotes.

Submission:

Genomenon, Inc
Classification: Benign for Glycogen storage disease, type II. Last evaluated: 2026-07-01. Review status: criteria provided, single submitter. Criteria: Genomenon Sequence Variant Interpretation Standards - Updated. Collection method: curation. Allele origin: germline. Affected: no.
Comment: GAA c.2190-444A>G is an intronic variant located in intron 15. This variant is present at high allele frequency in population databases. We classify GAA c.2190-444A>G as a benign variant.

NM_000152.5(GAA):c.2190-444A>G

Gene: GAA (alpha glucosidase; plus strand). Cytogenetic location: 17q25.3.
Variant type: single nucleotide variant.
Coding change: c.2190-444A>G on transcript NM_000152.5 (MANE Select); 444 bases into the intron before coding-DNA position 2190, A replaced by G.
Molecular consequence: intron variant.
Genome position (GRCh38, 1-based): chr17:80,116,524, A>G. VCF-style: chr17-80116524-A-G. GRCh37 (hg19) VCF-style: chr17-78090323-A-G.
Other names: c.2190-444A>G (NM_001406741.1, NM_001406742.1, NM_001079803.3 and 1 more transcripts).
Identifiers: ClinVar variation 4876376 (VCV004876376.1).